The following is an entry in ClinVar:

NC_000022.10:g.(?_18900668)_(18906024_?)dup

Gene: PRODH (proline dehydrogenase 1; minus strand). Cytogenetic location: 22q11.21.
Variant type: Duplication.
Identifiers: ClinVar variation 1054448 (VCV001054448.5).

ClinVar aggregate classification (germline): Uncertain significance (1 of 4 stars; one submission).

Conditions:
Proline dehydrogenase deficiency (HYRPRO1). Also called: Hyperprolinemia type 1; PROLINE OXIDASE DEFICIENCY. Identifiers: Orphanet 419, MedGen C0268529, MONDO:0009400, OMIM 239500.

Submission:

Labcorp Genetics (formerly Invitae), Labcorp
Classification: Uncertain significance for Proline dehydrogenase deficiency. Last evaluated: 2022-06-20. Review status: criteria provided, single submitter. Criteria: Invitae Variant Classification Sherloc (09022015). Collection method: clinical testing. Allele origin: germline.
Comment: This variant results in a copy number gain of the genomic region encompassing exon(s) 12-15 of the PRODH gene. This region includes the termination codon of the gene. This copy number gain extends beyond the assayed region for this gene and therefore may encompass additional genes. As the precise location of this event is unknown, it may be in tandem or it may be located elsewhere in the genome. This variant has not been reported in the literature in individuals affected with PRODH-related conditions. Experimental studies and prediction algorithms are not available or were not evaluated, and the functional significance of this variant is currently unknown. In summary, the available evidence is currently insufficient to determine the role of this variant in disease. Therefore, it has been classified as a Variant of Uncertain Significance.